The following is an entry in ClinVar:

NM_001387430.1(SH2B1):c.989G>A (p.Arg330Gln)

Gene: SH2B1 (SH2B adaptor protein 1; plus strand). Cytogenetic location: 16p11.2.
Variant type: single nucleotide variant.
Coding change: c.989G>A on transcript NM_001387430.1 (MANE Select); coding-DNA position 989, G replaced by A.
Protein change: p.Arg330Gln; replaces arginine 330 with glutamine.
Molecular consequence: missense variant. On other transcripts: 5 prime UTR variant (1).
Genome position (GRCh38, 1-based): chr16:28,867,380, G>A. VCF-style: chr16-28867380-G-A. GRCh37 (hg19) VCF-style: chr16-28878701-G-A.
Other names: c.989G>A, p.Arg330Gln (NM_001387404.1, NM_015503.3, NM_001145795.2 and 4 more transcripts); c.-20G>A (NM_001308294.2); short protein forms R330Q.
Identifiers: ClinVar variation 3440701 (VCV003440701.2).

ClinVar aggregate classification (germline): Uncertain significance. Review status: criteria provided, multiple submitters, no conflicts (2 of 4 stars). 2 submissions from 2 submitters: Uncertain significance (2). Last evaluated 2025-11-24.

Conditions:
SH2B1-related disorder. Also called: SH2B1-related condition.

Submissions (2):

PreventionGenetics, part of Exact Sciences
Classification: Uncertain significance for SH2B1-related condition. Last evaluated: 2025-11-24. Review status: criteria provided, single submitter. Criteria: ACMG Guidelines, 2015. Collection method: clinical testing. Allele origin: germline.
Comment: The SH2B1 c.989G>A variant is predicted to result in the amino acid substitution p.Arg330Gln. To our knowledge, this variant has not been reported in the literature. This variant is reported in 0.00088% of alleles in individuals of European (Non-Finnish) descent in gnomAD. At this time, the clinical significance of this variant is uncertain due to the absence of conclusive functional and genetic evidence.

Ambry Genetics
Classification: Uncertain significance. Last evaluated: 2024-07-16. Review status: criteria provided, single submitter. Criteria: Ambry Variant Classification Scheme 2023. Collection method: clinical testing. Allele origin: germline.